The following is an entry in ClinVar:

NM_005477.3(HCN4):c.2453G>A (p.Gly818Asp)

Gene: HCN4 (hyperpolarization activated cyclic nucleotide gated potassium channel 4; minus strand). Cytogenetic location: 15q24.1.
Variant type: single nucleotide variant.
Coding change: c.2453G>A on transcript NM_005477.3 (MANE Select); coding-DNA position 2453, G replaced by A.
Protein change: p.Gly818Asp; replaces glycine 818 with aspartic acid.
Molecular consequence: missense variant.
Genome position (GRCh38, 1-based): chr15:73,323,640, C>T on the plus strand (G>A on the coding strand, the complement: HCN4 is on the minus strand). VCF-style: chr15-73323640-C-T. GRCh37 (hg19) VCF-style: chr15-73615981-C-T.
Other names: short protein forms G818D.
Identifiers: ClinVar variation 2504316 (VCV002504316.3), dbSNP rs1224948931, ClinGen allele CA393088865.

ClinVar aggregate classification (germline): Uncertain significance. Review status: criteria provided, multiple submitters, no conflicts (2 of 4 stars). 2 submissions from 2 submitters: Uncertain significance (2). Last evaluated 2024-02-01.

Conditions:
Brugada syndrome 8 (BRGDA8). Identifiers: Orphanet 130, MedGen C2751083, MONDO:0013148, OMIM 613123.

Allele frequency attached by ClinVar (database versions not stated): gnomAD 0.00001; TOPMed 0.00001.

Submissions (2):

Labcorp Genetics (formerly Invitae), Labcorp
Classification: Uncertain significance for Brugada syndrome 8. Last evaluated: 2024-02-01. Review status: criteria provided, single submitter. Criteria: Invitae Variant Classification Sherloc (09022015). Collection method: clinical testing. Allele origin: germline.
Comment: This sequence change replaces glycine, which is neutral and non-polar, with aspartic acid, which is acidic and polar, at codon 818 of the HCN4 protein (p.Gly818Asp). The frequency data for this variant in the population databases is considered unreliable, as metrics indicate poor data quality at this position in the gnomAD database. This variant has not been reported in the literature in individuals affected with HCN4-related conditions. ClinVar contains an entry for this variant (Variation ID: 2504316). Advanced modeling of protein sequence and biophysical properties (such as structural, functional, and spatial information, amino acid conservation, physicochemical variation, residue mobility, and thermodynamic stability) performed at Invitae indicates that this missense variant is not expected to disrupt HCN4 protein function with a negative predictive value of 95%. In summary, the available evidence is currently insufficient to determine the role of this variant in disease. Therefore, it has been classified as a Variant of Uncertain Significance.

GeneDx
Classification: Uncertain significance. Last evaluated: 2022-12-02. Review status: criteria provided, single submitter. Criteria: GeneDx Variant Classification Process June 2021. Collection method: clinical testing. Allele origin: germline. Affected: yes.
Comment: Not observed at significant frequency in large population cohorts (gnomAD); In silico analysis supports that this missense variant does not alter protein structure/function; Has not been previously published as pathogenic or benign to our knowledge